The following is an entry in ClinVar:

ClinVar aggregate classification (germline): Uncertain significance (1 of 4 stars; one submission).

Conditions:
Nephronophthisis. Also called: Juvenile Nephronophthisis. Identifiers: Orphanet 655, MedGen C0687120, MONDO:0019005, HP:0000090.

Allele frequency attached by ClinVar (database versions not stated): gnomAD exomes below 0.00001; TOPMed below 0.00001.
gnomAD v4.1: 1 of 1,611,322 alleles (0.000062%); highest among the groups gnomAD compares: South Asian, 0.0011%; no homozygotes.

Submission:

Labcorp Genetics (formerly Invitae), Labcorp
Classification: Uncertain significance for Nephronophthisis. Last evaluated: 2022-08-23. Review status: criteria provided, single submitter. Criteria: Invitae Variant Classification Sherloc (09022015). Collection method: clinical testing. Allele origin: germline.
Comment: In summary, the available evidence is currently insufficient to determine the role of this variant in disease. Therefore, it has been classified as a Variant of Uncertain Significance. Algorithms developed to predict the effect of missense changes on protein structure and function are either unavailable or do not agree on the potential impact of this missense change (SIFT: "Deleterious"; PolyPhen-2: "Possibly Damaging"; Align-GVGD: "Class C0"). ClinVar contains an entry for this variant (Variation ID: 959559). This variant has not been reported in the literature in individuals affected with NPHP3-related conditions. This variant is present in population databases (no rsID available, gnomAD 0.003%). This sequence change replaces leucine, which is neutral and non-polar, with serine, which is neutral and polar, at codon 284 of the NPHP3 protein (p.Leu284Ser).

NM_153240.5(NPHP3):c.851T>C (p.Leu284Ser)

Genes: NPHP3-ACAD11 (NPHP3-ACAD11 readthrough (NMD candidate); minus strand), NPHP3 (nephrocystin 3; minus strand). Cytogenetic location: 3q22.1.
Variant type: single nucleotide variant.
Coding change: c.851T>C on transcript NM_153240.5 (MANE Select); coding-DNA position 851, T replaced by C.
Protein change: p.Leu284Ser; replaces leucine 284 with serine.
Molecular consequence: missense variant. On other transcripts: non-coding transcript variant (1).
Genome position (GRCh38, 1-based): chr3:132,715,191, A>G on the plus strand (T>C on the coding strand, the complement: NPHP3 is on the minus strand). VCF-style: chr3-132715191-A-G. GRCh37 (hg19) VCF-style: chr3-132434035-A-G.
Other names: short protein forms L284S.
Identifiers: ClinVar variation 959559 (VCV000959559.9), dbSNP rs1248469945, ClinGen allele CA354586248.